The following is an entry in ClinVar:

ClinVar aggregate classification (germline): Pathogenic (1 of 4 stars; one submission).

Submission:

GeneDx
Classification: Pathogenic. Last evaluated: 2019-09-03. Review status: criteria provided, single submitter. Criteria: GeneDx Variant Classification (06012015). Collection method: clinical testing. Allele origin: germline. Affected: yes.
Comment: Frameshift variant predicted to result in protein truncation or nonsense mediated decay in a gene for which loss-of-function is a known mechanism of disease; Not observed in large population cohorts (Lek et al., 2016); Has not been previously published as pathogenic or benign to our knowledge

NM_004006.3(DMD):c.9231dup (p.Thr3078fs)

Gene: DMD (dystrophin; minus strand). Cytogenetic location: Xp21.2.
Variant type: Duplication.
Coding change: c.9231dup on transcript NM_004006.3 (MANE Select); coding-DNA position 9231, one base duplicated (G; older notation c.9231dupG).
Protein change: p.Thr3078fs; shifts the reading frame from threonine 3078.
Molecular consequence: frameshift variant.
Genome position (GRCh38, 1-based): chrX:31,261,010, C duplicated on the plus strand (G on the coding strand, the reverse complement: DMD is on the minus strand). VCF-style (leftmost placement, unchanged base first): chrX-31261009-T-TC. GRCh37 (hg19) VCF-style: chrX-31279126-T-TC.
Other names: c.9207dup, p.Thr3070fs (NM_000109.4); c.9219dup, p.Thr3074fs (NM_004009.3); c.8862dup, p.Thr2955fs (NM_004010.3); c.5208dup, p.Thr1737fs (NM_004011.4); c.5199dup, p.Thr1734fs (NM_004012.4); c.1851dup, p.Thr618fs (NM_004013.3, NM_004020.4, NM_004021.3 and 2 more transcripts); c.1044dup, p.Thr349fs (NM_004014.3); c.27dup, p.Thr10fs (NM_004015.3, NM_004016.3, NM_004017.3 and 2 more transcripts); short protein forms T3070fs, T1734fs, T1737fs, T2955fs, T3074fs, T349fs, T618fs, T10fs.
Identifiers: ClinVar variation 818080 (VCV000818080.1), dbSNP rs1603253605, ClinGen allele CA915950891.